The following is an entry in ClinVar:

NM_198994.3(TGM6):c.294C>G (p.Thr98=)

Gene: TGM6 (transglutaminase 6; plus strand). Cytogenetic location: 20p13.
Variant type: single nucleotide variant.
Coding change: c.294C>G on transcript NM_198994.3 (MANE Select); coding-DNA position 294, C replaced by G.
Protein change: p.Thr98=; no amino-acid change (threonine 98 retained).
Molecular consequence: synonymous variant.
Genome position (GRCh38, 1-based): chr20:2,395,306, C>G. VCF-style: chr20-2395306-C-G. GRCh37 (hg19) VCF-style: chr20-2375952-C-G.
Other names: c.294C>G, p.Thr98= (NM_001254734.2).
Identifiers: ClinVar variation 1676418 (VCV001676418.2), dbSNP rs1292170721, ClinGen allele CA509547121.

ClinVar aggregate classification (germline): Uncertain significance (1 of 4 stars; one submission).

gnomAD v4.1: 3 of 1,614,178 alleles (0.00019%); highest among the groups gnomAD compares: Non-Finnish European, 0.00025%; no homozygotes.

Submission:

GeneDx
Classification: Uncertain significance. Last evaluated: 2021-10-08. Review status: criteria provided, single submitter. Criteria: GeneDx Variant Classification Process June 2021. Collection method: clinical testing. Allele origin: germline. Affected: yes.
Comment: Not observed at significant frequency in large population cohorts (gnomAD); In silico analysis supports a deleterious effect on splicing; Has not been previously published as pathogenic or benign to our knowledge